The following is an entry in ClinVar:

NM_205861.3(DHDDS):c.706A>T (p.Thr236Ser)

Gene: DHDDS (dehydrodolichyl diphosphate synthase subunit; plus strand). Cytogenetic location: 1p36.11.
Variant type: single nucleotide variant.
Coding change: c.706A>T on transcript NM_205861.3 (MANE Select); coding-DNA position 706, A replaced by T.
Protein change: p.Thr236Ser; replaces threonine 236 with serine.
Molecular consequence: missense variant.
Genome position (GRCh38, 1-based): chr1:26,460,085, A>T. VCF-style: chr1-26460085-A-T. GRCh37 (hg19) VCF-style: chr1-26786576-A-T.
Other names: c.604A>T, p.Thr202Ser (NM_001243564.2); c.589A>T, p.Thr197Ser (NM_001243565.2); c.427A>T, p.Thr143Ser (NM_001319959.2); c.706A>T, p.Thr236Ser (NM_024887.4); short protein forms T202S, T143S, T197S, T236S.
Identifiers: ClinVar variation 842395 (VCV000842395.9), dbSNP rs763763588, ClinGen allele CA705435.

ClinVar aggregate classification (germline): Uncertain significance. Review status: criteria provided, multiple submitters, no conflicts (2 of 4 stars). 3 submissions from 3 submitters: Uncertain significance (2). 1 of the submissions does not count toward it. Last evaluated 2024-03-10.

Conditions:
Retinitis pigmentosa 59 (RP59). Identifiers: Orphanet 791, MedGen C3151227, MONDO:0013468, OMIM 613861.

Allele frequency attached by ClinVar (database versions not stated): ExAC 0.00001; gnomAD 0.00001; gnomAD exomes 0.00001 and 0.00002; TOPMed 0.00001.
gnomAD v4.1: 27 of 1,614,070 alleles (0.0017%); highest among the groups gnomAD compares: African/African-American, 0.0027%; no homozygotes.

Submissions (3):

Labcorp Genetics (formerly Invitae), Labcorp
Classification: Uncertain significance for Retinitis pigmentosa 59. Last evaluated: 2024-03-10. Review status: criteria provided, single submitter. Criteria: Invitae Variant Classification Sherloc (09022015). Collection method: clinical testing. Allele origin: germline.
Comment: This sequence change replaces threonine, which is neutral and polar, with serine, which is neutral and polar, at codon 236 of the DHDDS protein (p.Thr236Ser). This variant is present in population databases (rs763763588, gnomAD 0.004%). This variant has not been reported in the literature in individuals affected with DHDDS-related conditions. ClinVar contains an entry for this variant (Variation ID: 842395). Advanced modeling of protein sequence and biophysical properties (such as structural, functional, and spatial information, amino acid conservation, physicochemical variation, residue mobility, and thermodynamic stability) performed at Invitae indicates that this missense variant is not expected to disrupt DHDDS protein function with a negative predictive value of 80%. In summary, the available evidence is currently insufficient to determine the role of this variant in disease. Therefore, it has been classified as a Variant of Uncertain Significance.

Blueprint Genetics
Classification: Uncertain significance. Last evaluated: 2019-10-28. Review status: criteria provided, single submitter. Criteria: ACMG Guidelines, 2015. Collection method: clinical testing. Allele origin: germline.

Natera, Inc.
Classification: Uncertain significance for Retinitis pigmentosa type 59. Last evaluated: 2020-03-11. Review status: no assertion criteria provided. Collection method: clinical testing. Allele origin: germline. Not counted in ClinVar's aggregate classification.